The following is an entry in ClinVar:

ClinVar aggregate classification (germline): Uncertain significance (1 of 4 stars; one submission).

Submission:

Genetic Services Laboratory, University of Chicago
Classification: Uncertain significance. Last evaluated: 2023-06-15. Review status: criteria provided, single submitter. Criteria: ACMG Guidelines, 2015. Collection method: clinical testing. Allele origin: germline. Affected: no.
Comment: DNA sequence analysis of the INS gene demonstrated a sequence change in the upstream region 1, c.-83G>A. This change does not appear to have been previously described in individuals with neonatal diabetes but other variants in this gene has been reported in the regulatory region (PMID: 20133622, 16741735). It is possible that this sequence change represents a benign sequence change in the INS gene that has not been identified to date. The functional significance of this sequence change is not known at present.

NM_000207.2(INS):c.-83G>A

Gene: INS (insulin; minus strand). Cytogenetic location: 11p15.5.
Variant type: single nucleotide variant.
Coding change: c.-83G>A on transcript NM_000207.2; 83 bases upstream of the start codon, G replaced by A.
Genome position (GRCh38, 1-based): chr11:2,161,233, C>T on the plus strand (G>A on the coding strand, the complement: INS is on the minus strand). VCF-style: chr11-2161233-C-T. GRCh37 (hg19) VCF-style: chr11-2182463-C-T.
Identifiers: ClinVar variation 4082451 (VCV004082451.2).
Genomic context (GRCh38, chr11:2,161,233, plus strand): 5'-TGATGGCCTCTTCTGATGCAGCCTGTCCTGGAGGGCTGAGGGCTGCTGGGCCCCCGCTGG[C>T]TTTATAGTCTCAGAGCCCATCTCCCCTACCTCTCAACCCCTGCCGCCTGGCCCATTAGGG-3'